The following is an entry in ClinVar:

NM_001035.3(RYR2):c.4736T>C (p.Val1579Ala)

Gene: RYR2 (ryanodine receptor 2; plus strand). Cytogenetic location: 1q43.
Variant type: single nucleotide variant.
Coding change: c.4736T>C on transcript NM_001035.3 (MANE Select); coding-DNA position 4736, T replaced by C.
Protein change: p.Val1579Ala; replaces valine 1579 with alanine.
Molecular consequence: missense variant.
Genome position (GRCh38, 1-based): chr1:237,610,814, T>C. VCF-style: chr1-237610814-T-C. GRCh37 (hg19) VCF-style: chr1-237774114-T-C.
Other names: p.V1579A:GTG>GCG; c.4736T>C, p.Val1579Ala (LRG_402t1); short protein forms V1579A.
Identifiers: ClinVar variation 196967 (VCV000196967.7), dbSNP rs766750384, ClinGen allele CA009670.
Genomic context (GRCh38, chr1:237,610,814, plus strand): 5'-TCCGCTAGAATGTGATGCCTCTCTCGGCGGGATTATTCAAGAGTGAGCACAAGAACCCCG[T>C]GCCGCAGTGCCCCCCGCGCCTCCACGTGCAGTTCCTGTCACACGTCCTGTGGAGCAGAAT-3'
Protein context (NP_001026.2, residues 1569-1589): GLFKSEHKNP[Val1579Ala]PQCPPRLHVQ

ClinVar aggregate classification (germline): Uncertain significance. Review status: criteria provided, multiple submitters, no conflicts (2 of 4 stars). 3 submissions from 3 submitters: Uncertain significance (3). Last evaluated 2024-01-11.

Conditions:
Catecholaminergic polymorphic ventricular tachycardia (CVPT). Also called: Catecholamine-induced polymorphic ventricular tachycardia. Identifiers: Orphanet 3286, MedGen C5574922, MONDO:0017990.

Allele frequency attached by ClinVar (database versions not stated): gnomAD 0.00001.
gnomAD v4.1: 12 of 1,611,648 alleles (0.00074%); highest among the groups gnomAD compares: Non-Finnish European, 0.001%; no homozygotes.

Submissions (3):

All of Us Research Program, National Institutes of Health
Classification: Uncertain significance for Catecholaminergic polymorphic ventricular tachycardia. Last evaluated: 2024-01-11. Review status: criteria provided, single submitter. Criteria: ACMG Guidelines, 2015. Collection method: clinical testing. Allele origin: germline. Inheritance: Autosomal dominant inheritance. Observed: 2 variant alleles, 2 heterozygotes.
Comment: This missense variant replaces valine with alanine at codon 1579 of the RYR2 protein. Computational prediction suggests that this variant may not impact protein structure and function (internally defined REVEL score threshold <= 0.5, PMID: 27666373). To our knowledge, functional studies have not been reported for this variant. This variant has been reported in an individual affected with arrhythmogenic right ventricular cardiomyopathy (PMID: 26743400) and in another individual affected with unspecified cardiovascular disease (PMID: 28377322). This variant has been identified in 2/245340 chromosomes in the general population by the Genome Aggregation Database (gnomAD). The available evidence is insufficient to determine the role of this variant in disease conclusively. Therefore, this variant is classified as a Variant of Uncertain Significance.

This study involves interpretation of variants in research participants for the purpose of population health screening. Participant phenotype was not available at the time of variant classification. Additional details can be found in publication PMID: 35346344, PMCID: PMC8962531

GeneDx
Classification: Uncertain significance. Last evaluated: 2016-01-07. Review status: criteria provided, single submitter. Criteria: GeneDx Variant Classification (06012015). Collection method: clinical testing. Allele origin: germline. Affected: yes.
Comment: The V1579A variant has not been published as a mutation or been reported as a benign polymorphism to our knowledge. The V1579A variant was not observed in approximately 6,000 individuals of European and African American ancestry in the NHLBI Exome Sequencing Project, indicating it is not a common benign variant in these populations. Although the V1579A variant is a conservative amino acid substitution of one non-polar amino acid to another; this substitution occurs at a position that is conserved among mammals. Nevertheless, in silico analysis is inconsistent in its predictions as to whether or not the variant is damaging to the protein structure/function. No missense mutations in nearby residues have been reported in association with ARVC, suggesting this region of the protein may be tolerant to change. Furthermore, this variant is not located in one of the mutation hot spot regions in the RYR2 gene (Medeiros-Domingo A et al., 2009). Therefore, based on the currently available information, it is unclear whether this variant is a pathogenic mutation or a rare benign variant.

Eurofins Ntd Llc (ga)
Classification: Uncertain significance. Last evaluated: 2014-10-13. Review status: criteria provided, single submitter. Criteria: EGL Classification Definitions 2015. Collection method: clinical testing. Allele origin: germline. Observed: 1 variant allele, 1 heterozygote.

Literature cited by the submitters: PubMed 26743400 (cited by All of Us Research Program, National Institutes of Health); PubMed 28377322 (cited by All of Us Research Program, National Institutes of Health).